The following is an entry in ClinVar:

NM_201384.3(PLEC):c.13347G>A (p.Ala4449=)

Gene: PLEC (plectin; minus strand). Cytogenetic location: 8q24.3.
Variant type: single nucleotide variant.
Coding change: c.13347G>A on transcript NM_201384.3 (MANE Select); coding-DNA position 13347, G replaced by A.
Protein change: p.Ala4449=; no amino-acid change (alanine 4449 retained).
Molecular consequence: synonymous variant.
Genome position (GRCh38, 1-based): chr8:143,916,474, C>T on the plus strand (G>A on the coding strand, the complement: PLEC is on the minus strand). VCF-style: chr8-143916474-C-T. GRCh37 (hg19) VCF-style: chr8-144990642-C-T.
Other names: c.13428G>A (NM_000445.4); c.13428G>A, p.Ala4476= (NM_000445.5); c.13305G>A, p.Ala4435= (NM_201378.4); c.13281G>A, p.Ala4427= (NM_201379.3); c.13758G>A, p.Ala4586= (NM_201380.4); c.13251G>A, p.Ala4417= (NM_201381.3); c.13347G>A, p.Ala4449= (NM_201382.4); c.13359G>A, p.Ala4453= (NM_201383.3).
Identifiers: ClinVar variation 281786 (VCV000281786.16), dbSNP rs368660987, ClinGen allele CA4923834.
Genomic context (GRCh38, chr8:143,916,474, plus strand): 5'-CTGCGCGGCAGCCTCCAGCAGCCGCAGCCCCGTGCCCTCCTCCACCATGCTGCGGTCCAG[C>T]GCGTCCTTATAGGAGATCTTGAGCTTGGTCTTAGGGCAGGTGAGGTACTTGGAGTAGGCG-3'
Protein context (NP_958786.1, residues 4439-4459): KTKLKISYKD[Ala4449=]LDRSMVEEGT

ClinVar aggregate classification (germline): Conflicting classifications of pathogenicity. Review status: criteria provided, conflicting classifications (1 of 4 stars). 5 submissions from 5 submitters: Uncertain significance (1); Likely benign (3). 1 of the submissions does not count toward it. Last evaluated 2026-01-20.

Conditions:
PLEC-related disorder. Also called: PLEC-related condition; PLEC-related disorders.
Inborn genetic diseases. Identifiers: MedGen C0950123, MeSH D030342.
Epidermolysis bullosa simplex 5B, with muscular dystrophy (EBS5B). Also called: EPIDERMOLYSIS BULLOSA SIMPLEX AND LIMB-GIRDLE MUSCULAR DYSTROPHY; Epidermolysis bullosa simplex with muscular dystrophy. Identifiers: Orphanet 257, MedGen C2931072, MONDO:0009181, OMIM 226670.
Epidermolysis bullosa simplex with nail dystrophy (EBS5D). Identifiers: MedGen C4225309, MONDO:0014661, OMIM 616487.
Autosomal recessive limb-girdle muscular dystrophy type 2Q (LGMDR17). Also called: MUSCULAR DYSTROPHY, LIMB-GIRDLE, AUTOSOMAL RECESSIVE 17. Identifiers: Orphanet 254361, MedGen C3150989, MONDO:0013390, OMIM 613723.
Epidermolysis bullosa simplex 5C, with pyloric atresia (EBS5C). Also called: PLEC1-Related Epidermolysis Bullosa with Pyloric Atresia; PLEC-Related Epidermolysis Bullosa with Pyloric Atresia; Epidermolysis bullosa simplex with pyloric atresia. Identifiers: Orphanet 158684, MedGen C2677349, MONDO:0012807, OMIM 612138.
Epidermolysis bullosa simplex, Ogna type (EBS5A). Also called: Pidermolysis bullosa simplex 5A, Ogna type; EPIDERMOLYSIS BULLOSA SIMPLEX 5A, OGNA TYPE. Identifiers: Orphanet 79401, MedGen C0432317, MONDO:0007555, OMIM 131950.

Allele frequency attached by ClinVar (database versions not stated): ExAC 0.00005; 1000 Genomes Project 30x 0.00016; 1000 Genomes Project 0.00020; TOPMed 0.00022; ESP Exome Variant Server 0.00024.
gnomAD v4.1: 71 of 1,611,374 alleles (0.0044%); highest among the groups gnomAD compares: African/African-American, 0.048%; no homozygotes.

Submissions (5):

Labcorp Genetics (formerly Invitae), Labcorp
Classification: Likely benign for Autosomal recessive limb-girdle muscular dystrophy type 2Q; Epidermolysis bullosa simplex, Ogna type; Epidermolysis bullosa simplex with nail dystrophy; Epidermolysis bullosa simplex 5C, with pyloric atresia; Epidermolysis bullosa simplex 5B, with muscular dystrophy. Last evaluated: 2026-01-20. Review status: criteria provided, single submitter. Criteria: Invitae Variant Classification Sherloc (09022015). Collection method: clinical testing. Allele origin: germline.

Ambry Genetics
Classification: Likely benign for Inborn genetic diseases. Last evaluated: 2023-12-06. Review status: criteria provided, single submitter. Criteria: Ambry Variant Classification Scheme 2023. Collection method: clinical testing. Allele origin: germline.

GeneDx
Classification: Likely benign. Last evaluated: 2016-12-19. Review status: criteria provided, single submitter. Criteria: GeneDx Variant Classification (06012015). Collection method: clinical testing. Allele origin: germline. Affected: yes.
Comment: This variant is considered likely benign or benign based on one or more of the following criteria: it is a conservative change, it occurs at a poorly conserved position in the protein, it is predicted to be benign by multiple in silico algorithms, and/or has population frequency not consistent with disease.

Eurofins Ntd Llc (ga)
Classification: Uncertain significance. Last evaluated: 2015-09-01. Review status: criteria provided, single submitter. Criteria: EGL Classification Definitions 2015. Collection method: clinical testing. Allele origin: germline. Observed: 4 variant alleles, 2 heterozygotes, 2 homozygotes.

PreventionGenetics, part of Exact Sciences
Classification: Likely benign for PLEC-related condition. Last evaluated: 2024-08-21. Review status: no assertion criteria provided. Collection method: clinical testing. Allele origin: germline. Not counted in ClinVar's aggregate classification.
Comment: This variant is classified as likely benign based on ACMG/AMP sequence variant interpretation guidelines (Richards et al. 2015 PMID: 25741868, with internal and published modifications).